The following is an entry in ClinVar:

NM_182922.4(HEATR3):c.212C>T (p.Ala71Val)

Genes: HEATR3 (HEAT repeat containing 3; plus strand), LOC130058980 (ATAC-STARR-seq lymphoblastoid silent region 7469; plus strand). Cytogenetic location: 16q12.1.
Variant type: single nucleotide variant.
Coding change: c.212C>T on transcript NM_182922.4 (MANE Select); coding-DNA position 212, C replaced by T.
Protein change: p.Ala71Val; replaces alanine 71 with valine.
Molecular consequence: missense variant. On other transcripts: 5 prime UTR variant (3), non-coding transcript variant (2).
Genome position (GRCh38, 1-based): chr16:50,066,440, C>T. VCF-style: chr16-50066440-C-T. GRCh37 (hg19) VCF-style: chr16-50100351-C-T.
Other names: c.-481C>T (NM_001329729.2); c.-455C>T (NM_001329730.2); c.-372C>T (NM_001329731.2); short protein forms A71V.
Identifiers: ClinVar variation 4888238 (VCV004888238.1).

ClinVar aggregate classification (germline): Uncertain significance (1 of 4 stars; one submission).

Conditions:
Diamond-Blackfan anemia 21. Identifiers: MedGen C5774230, MONDO:0031071, OMIM 620072.

Submission:

Genelabs Medical  (pvt) Ltd
Classification: Uncertain significance for Diamond-Blackfan anemia 21. Last evaluated: 2026-08-03. Review status: criteria provided, single submitter. Criteria: ACMG Guidelines, 2015. Collection method: clinical testing. Allele origin: germline. Inheritance: Autosomal recessive inheritance. Affected: no. Observed: 1 heterozygote.
Comment: The missense variant NM_182922.4(HEATR3):c.212C>T (p.Ala71Val) is absent from population databases, with no alleles observed among 1,434,092 alleles in gnomAD and no reported homozygous individuals. This nucleotide change results in a missense substitution at codon 71 of the HEATR3 gene, replacing alanine with valine. In silico prediction using REVEL yielded a score of 0.039, indicating that the available computational evidence does not support a deleterious effect on protein function. Based on the available evidence, including the rarity of the variant but lack of sufficient functional, clinical, or segregation evidence, this variant is classified as a Variant of Uncertain Significance. (PM2_Supporting, BP4_Moderate)